The following is an entry in ClinVar:

NM_130839.5(UBE3A):c.2419del (p.Thr807fs)

Genes: SNHG14 (small nucleolar RNA host gene 14; plus strand), UBE3A (ubiquitin protein ligase E3A; minus strand). Cytogenetic location: 15q11.2.
Variant type: Deletion.
Coding change: c.2419del on transcript NM_130839.5 (MANE Select); coding-DNA position 2419, one base deleted (A; older notation c.2419delA).
Protein change: p.Thr807fs; shifts the reading frame from threonine 807.
Molecular consequence: frameshift variant. On other transcripts: non-coding transcript variant (1).
Genome position (GRCh38, 1-based): chr15:25,340,164, T deleted on the plus strand (A on the coding strand, the reverse complement: UBE3A is on the minus strand); the first of 2 consecutive T bases (chr15:25,340,164-25,340,165); deleting either gives the same sequence. VCF-style (leftmost placement, unchanged base first): chr15-25340163-GT-G. GRCh37 (hg19) VCF-style: chr15-25585310-GT-G.
Other names: c.2428del, p.Thr810fs (NM_000462.5); c.2419del, p.Thr807fs (NM_001354505.1, NM_001354538.2); c.2359del, p.Thr787fs (NM_001354506.2, NM_001354507.2, NM_001354508.2 and 14 more transcripts); c.2263del, p.Thr755fs (NM_001354545.2); c.2242del, p.Thr748fs (NM_001354546.2); c.2203del, p.Thr735fs (NM_001354547.2, NM_001354548.2); c.2194del, p.Thr732fs (NM_001354549.2); c.1168del, p.Thr390fs (NM_001354550.2); and 1 more; short protein forms T370fs, T390fs, T732fs, T735fs, T748fs, T755fs, T787fs, T807fs.
Identifiers: ClinVar variation 2570895 (VCV002570895.27), dbSNP rs2552182321, ClinGen allele CA2580612792.

ClinVar aggregate classification (germline): Pathogenic (1 of 4 stars; one submission).

Submission:

CeGaT Center for Human Genetics Tuebingen
Classification: Pathogenic. Last evaluated: 2024-04-01. Review status: criteria provided, single submitter. Criteria: CeGaT Center For Human Genetics Tuebingen Variant Classification Criteria Version 2. Collection method: clinical testing. Allele origin: germline. Affected: yes. Observed: 3 variant alleles.
Comment: UBE3A: PVS1, PM2